The following is an entry in ClinVar:

ClinVar aggregate classification (germline): Pathogenic/Likely pathogenic. Review status: criteria provided, multiple submitters, no conflicts (2 of 4 stars). 12 submissions from 12 submitters: Pathogenic (9); Likely pathogenic (1). 2 of the submissions do not count toward it. Last evaluated 2025-11-27.

Conditions:
Coffin-Siris syndrome 1 (CSS1). Also called: ARID1B-Related Coffin-Siris Syndrome; Mental retardation, autosomal dominant 12. Identifiers: Orphanet 1465, MedGen C3281201, MONDO:0007617, OMIM 135900. Disease mechanism: gain of function.
Inborn genetic diseases. Identifiers: MedGen C0950123, MeSH D030342.

Submissions (12):

Clinical Genetics Laboratory, University Hospital Schleswig-Holstein
Classification: Pathogenic for Coffin-Siris syndrome 1. Last evaluated: 2025-11-27. Review status: criteria provided, single submitter. Criteria: ACMG Guidelines, 2015. Collection method: clinical testing. Allele origin: germline. Affected: yes. Observed: 1 heterozygote.
Comment: ACMG criteria applied: PM2, PS4, PVS1, PM6_Supporting

GeneDx
Classification: Pathogenic. Last evaluated: 2024-12-18. Review status: criteria provided, single submitter. Criteria: GeneDx Variant Classification Process June 2021. Collection method: clinical testing. Allele origin: germline. Affected: yes.
Comment: Not observed at significant frequency in large population cohorts (gnomAD); Frameshift variant predicted to result in abnormal protein length as the last 393 amino acids are replaced with 16 different amino acids, and other similar variants have been reported in HGMD; This variant is associated with the following publications: (PMID: 33057194, 28323383, 35982159, 33768696, 35599849, 35586607, 28454995)

Victorian Clinical Genetics Services, Murdoch Childrens Research Institute
Classification: Pathogenic for Coffin-Siris syndrome 1. Last evaluated: 2024-10-10. Review status: criteria provided, single submitter. Criteria: ACMG Guidelines, 2015. Collection method: clinical testing. Allele origin: germline. Inheritance: Autosomal dominant inheritance. Affected: yes.
Comment: Based on the classification scheme VCGS_Germline_v1.3.5, this variant is classified as Pathogenic. Following criteria are met: 0102 - Loss of function is a known mechanism of disease in this gene and is associated with Coffin-Siris syndrome 1 (MIM#135900). (I) 0107 - This gene is associated with autosomal dominant disease. (I) 0115 - Variants in this gene are known to have variable expressivity (PMID: 33768696). (I) 0205 - Variant is predicted to result in a truncated protein (premature termination codon is NOT located at least 54 nucleotides upstream of the final exon-exon junction) with less than 1/3 of the protein sequence affected. (SP) 0251 - This variant is heterozygous. (I) 0301 - Variant is absent from gnomAD (v2, v3 and v4). (SP) 0701 - Other truncating variants comparable to the one identified in this case have very strong previous evidence for pathogenicity. Many downstream variants predicted to cause a truncated protein have been reported as pathogenic (DECIPHER). (SP) 0801 - This variant has strong previous evidence of pathogenicity in unrelated individuals. The variant has been previously reported in multiple patients as pathogenic (ClinVar, PMID: 28323383). (SP) 1102 - Strong phenotype match for this individual. (SP) Legend: (SP) - Supporting pathogenic, (I) - Information, (SB) - Supporting benign

Laboratorio de Genetica e Diagnostico Molecular, Hospital Israelita Albert Einstein
Classification: Likely pathogenic for Coffin-Siris syndrome 1. Last evaluated: 2024-07-10. Review status: criteria provided, single submitter. Criteria: ACMG Guidelines, 2015. Collection method: clinical testing. Allele origin: germline. Affected: yes.
Comment: ACMG classification criteria: PVS1 strong, PS4 supporting, PM2 supporting

Labcorp Genetics (formerly Invitae), Labcorp
Classification: Pathogenic. Last evaluated: 2023-09-22. Review status: criteria provided, single submitter. Criteria: Invitae Variant Classification Sherloc (09022015). Collection method: clinical testing. Allele origin: germline.
Comment: This sequence change creates a premature translational stop signal (p.Lys1857Serfs*17) in the ARID1B gene. While this is not anticipated to result in nonsense mediated decay, it is expected to disrupt the last 393 amino acid(s) of the ARID1B protein. This variant is not present in population databases (gnomAD no frequency). This premature translational stop signal has been observed in individual(s) with clinical features of Coffin-Siris syndrome (PMID: 28323383, 28454995). In at least one individual the variant was observed to be de novo. ClinVar contains an entry for this variant (Variation ID: 280515). For these reasons, this variant has been classified as Pathogenic.

Genome-Nilou Lab
Classification: Pathogenic for Coffin-Siris syndrome 1. Last evaluated: 2021-07-15. Review status: criteria provided, single submitter. Criteria: ACMG Guidelines, 2015. Collection method: clinical testing. Allele origin: germline. Affected: no.

HudsonAlpha Institute for Biotechnology
Classification: Pathogenic for Coffin-Siris syndrome 1. Last evaluated: 2020-12-15. Review status: criteria provided, single submitter. Criteria: ACMG Guidelines, 2015. Collection method: research. Allele origin: de novo. Affected: yes. Observed: 1 variant allele. Study: CSER-SouthSeq.
Comment: ACMG codes:PVS1, PS2, PS4M, PM2, PP5

Ambry Genetics
Classification: Pathogenic for Inborn genetic diseases. Last evaluated: 2018-06-18. Review status: criteria provided, single submitter. Criteria: Ambry exome assertion method (8-5-2015). Collection method: clinical testing. Allele origin: germline. Affected: yes. Observed: 1 variant allele.

Genetic Services Laboratory, University of Chicago
Classification: Pathogenic for Mental retardation, autosomal dominant 12. Last evaluated: 2017-01-29. Review status: criteria provided, single submitter. Criteria: ACMG Guidelines, 2015. Collection method: clinical testing. Allele origin: germline. Affected: yes.

Clinical Genetics Service, Universitary Hospital 12 de Octubre
Classification: Pathogenic for Coffin-Siris syndrome 1. Review status: criteria provided, single submitter. Criteria: ACMG Guidelines, 2015. Collection method: clinical testing. Allele origin: de novo. Affected: yes.

OMIM
Classification: Pathogenic for COFFIN-SIRIS SYNDROME 1. Last evaluated: 2019-05-09. Review status: no assertion criteria provided. Collection method: literature only. Allele origin: germline. Not counted in ClinVar's aggregate classification.

Molecular Genetics Laboratory, BC Children's and BC Women's Hospitals
Classification: Pathogenic for Coffin-Siris syndrome 1. Last evaluated: 2018-07-19. Review status: no assertion criteria provided. Criteria: ACMG Guidelines, 2015. Collection method: clinical testing. Allele origin: de novo. Affected: yes. Not counted in ClinVar's aggregate classification.

Literature cited by the submitters: PubMed 28323383 (cited by 4 submitters); PubMed 33768696 (cited by Victorian Clinical Genetics Services, Murdoch Childrens Research Institute); PubMed 28454995 (cited by Labcorp Genetics (formerly Invitae), Labcorp and Ambry Genetics); PubMed 22405089 (cited by Ambry Genetics); PubMed 23906836 (cited by Ambry Genetics); PubMed 23929686 (cited by Ambry Genetics); PubMed 15057123 (cited by OMIM).

NM_001374828.1(ARID1B):c.5939_5942del (p.Lys1980fs)

Gene: ARID1B (AT-rich interaction domain 1B; plus strand). Cytogenetic location: 6q25.3.
Variant type: Microsatellite.
Coding change: c.5939_5942del on transcript NM_001374828.1 (MANE Select); coding-DNA positions 5939 to 5942, 4 bases deleted (AAGA; older notation c.5939_5942delAAGA).
Protein change: p.Lys1980fs; shifts the reading frame from lysine 1980.
Molecular consequence: frameshift variant.
Genome position (GRCh38, 1-based): chr6:157,206,711-157,206,714, AAGA deleted; deleting any 4 consecutive bases within chr6:157,206,704-157,206,714 gives the same sequence; the c. name uses the placement nearest the transcript's 3' end. VCF-style (leftmost placement, unchanged base first): chr6-157206703-TAGAA-T. GRCh37 (hg19) VCF-style: chr6-157527837-TAGAA-T.
Other names: c.5570_5573delAAGA (NM_020732.3); c.3440_3443del, p.Lys1147fs (NM_001363725.2); c.5819_5822del, p.Lys1940fs (NM_001371656.1, NM_001374820.1); c.5780_5783del, p.Lys1927fs (NM_017519.3); short protein forms K1147fs, K1927fs, K1940fs, K1980fs.
Identifiers: ClinVar variation 280515 (VCV000280515.26), dbSNP rs886041706, ClinGen allele CA10603004.
Genomic context (GRCh38, chr6:157,206,703, plus strand): 5'-TGAGAGCAAGATGGAAATTCCTCCTCGCAGGCGCCCACCTCCCCCCTTAAGCTCCGCAGG[TAGAA>T]AGAAAGAGCAAGAAGGCAAAGGCGACTCTGAAGAGCAGCAAGAGAAAAGCATCATAGCAA-3'